The following is an entry in ClinVar:

NM_015662.3(IFT172):c.3634G>A (p.Glu1212Lys)

Genes: IFT172 (intraflagellar transport 172; minus strand), LOC126806173 (BRD4-independent group 4 enhancer GRCh37_chr2:27676057-27677256; plus strand). Cytogenetic location: 2p23.3.
Variant type: single nucleotide variant.
Coding change: c.3634G>A on transcript NM_015662.3 (MANE Select); coding-DNA position 3634, G replaced by A.
Protein change: p.Glu1212Lys; replaces glutamic acid 1212 with lysine.
Molecular consequence: missense variant.
Genome position (GRCh38, 1-based): chr2:27,454,059, C>T on the plus strand (G>A on the coding strand, the complement: IFT172 is on the minus strand). VCF-style: chr2-27454059-C-T. GRCh37 (hg19) VCF-style: chr2-27676926-C-T.
Other names: short protein forms E1212K.
Identifiers: ClinVar variation 1516513 (VCV001516513.6), dbSNP rs764315033, ClinGen allele CA1579912.
Genomic context (GRCh38, chr2:27,454,059, plus strand): 5'-CCAGGCCTGGTCTCTGGGCCCGGAGCAGCAGCCCTTCTGCTTTCTGAAAGTCCTTCTCCT[C>T]CAAGGCCCCCCGGGCCTGTCCCACAAGCACCTCGGCGACACTGTCAGGGTCGTGAGCCTC-3'
Protein context (NP_056477.1, residues 1202-1222): VLVGQARGAL[Glu1212Lys]EKDFQKAEGL

ClinVar aggregate classification (germline): Uncertain significance (1 of 4 stars; one submission).

Conditions:
Retinitis pigmentosa 71 (RP71). Identifiers: Orphanet 791, MedGen C4225342, MONDO:0014618, OMIM 616394.
Short-rib thoracic dysplasia 10 with or without polydactyly (SRTD10). Identifiers: Orphanet 474, MedGen C3810175, MONDO:0014284, OMIM 615630.

gnomAD v4.1: 1 of 1,614,098 alleles (0.000062%); highest among the groups gnomAD compares: Non-Finnish European, 0.000085%; no homozygotes.

Submission:

Labcorp Genetics (formerly Invitae), Labcorp
Classification: Uncertain significance for Retinitis pigmentosa 71; Short-rib thoracic dysplasia 10 with or without polydactyly. Last evaluated: 2021-08-31. Review status: criteria provided, single submitter. Criteria: Invitae Variant Classification Sherloc (09022015). Collection method: clinical testing. Allele origin: germline.
Comment: In summary, the available evidence is currently insufficient to determine the role of this variant in disease. Therefore, it has been classified as a Variant of Uncertain Significance. Algorithms developed to predict the effect of missense changes on protein structure and function are either unavailable or do not agree on the potential impact of this missense change (SIFT: "Deleterious"; PolyPhen-2: "Benign"; Align-GVGD: "Class C0"). This variant has not been reported in the literature in individuals affected with IFT172-related conditions. This variant is present in population databases (rs764315033, ExAC 0.002%). This sequence change replaces glutamic acid with lysine at codon 1212 of the IFT172 protein (p.Glu1212Lys). The glutamic acid residue is highly conserved and there is a small physicochemical difference between glutamic acid and lysine.